The following is an entry in ClinVar:

NM_004655.4(AXIN2):c.774G>T (p.Thr258=)

Gene: AXIN2 (axin 2; minus strand). Cytogenetic location: 17q24.1.
Variant type: single nucleotide variant.
Coding change: c.774G>T on transcript NM_004655.4 (MANE Select); coding-DNA position 774, G replaced by T.
Protein change: p.Thr258=; no amino-acid change (threonine 258 retained).
Molecular consequence: synonymous variant.
Genome position (GRCh38, 1-based): chr17:65,557,847, C>A on the plus strand (G>T on the coding strand, the complement: AXIN2 is on the minus strand). VCF-style: chr17-65557847-C-A. GRCh37 (hg19) VCF-style: chr17-63553965-C-A.
Other names: c.774G>T, p.Thr258= (NM_001363813.1).
Identifiers: ClinVar variation 763873 (VCV000763873.10), dbSNP rs776060531, ClinGen allele CA501476799.

ClinVar aggregate classification (germline): Benign/Likely benign. Review status: criteria provided, multiple submitters, no conflicts (2 of 4 stars). 3 submissions from 3 submitters: Benign (1); Likely benign (2). Last evaluated 2025-11-22.

Conditions:
Oligodontia-cancer predisposition syndrome. Also called: TOOTH AGENESIS-COLORECTAL CANCER SYNDROME. Identifiers: Orphanet 300576, MedGen C1837750, MONDO:0012075, OMIM 608615. Disease mechanism: loss of function.
Hereditary cancer-predisposing syndrome. Also called: Tumor predisposition; Neoplastic Syndromes, Hereditary; Hereditary Cancer Syndrome; Hereditary neoplastic syndrome. Identifiers: Orphanet 140162, MedGen C0027672, MeSH D009386, MONDO:0015356.

Allele frequency attached by ClinVar (database versions not stated): gnomAD exomes below 0.00001.
gnomAD v4.1: 4 of 1,614,220 alleles (0.00025%); highest among the groups gnomAD compares: African/African-American, 0.0027%; no homozygotes.

Submissions (3):

Labcorp Genetics (formerly Invitae), Labcorp
Classification: Likely benign for Oligodontia-cancer predisposition syndrome. Last evaluated: 2025-11-22. Review status: criteria provided, single submitter. Criteria: Invitae Variant Classification Sherloc (09022015). Collection method: clinical testing. Allele origin: germline.

Myriad Genetics, Inc.
Classification: Benign for Oligodontia-cancer predisposition syndrome. Last evaluated: 2024-06-27. Review status: criteria provided, single submitter. Criteria: Myriad Autosomal Dominant, Autosomal Recessive and X-Linked Classification Criteria (2023). Collection method: clinical testing. Allele origin: unknown.
Comment: This variant is considered benign. This variant is a silent/synonymous amino acid change and it is not expected to impact splicing.

Ambry Genetics
Classification: Likely benign for Hereditary cancer-predisposing syndrome. Last evaluated: 2020-07-27. Review status: criteria provided, single submitter. Criteria: Ambry Variant Classification Scheme 2023. Collection method: clinical testing. Allele origin: germline.